The following is an entry in ClinVar:

NM_001184.4(ATR):c.3740A>G (p.Asp1247Gly)

Gene: ATR (ATR serine/threonine kinase; minus strand). Cytogenetic location: 3q23.
Variant type: single nucleotide variant.
Coding change: c.3740A>G on transcript NM_001184.4 (MANE Select); coding-DNA position 3740, A replaced by G.
Protein change: p.Asp1247Gly; replaces aspartic acid 1247 with glycine.
Molecular consequence: missense variant.
Genome position (GRCh38, 1-based): chr3:142,536,187, T>C on the plus strand (A>G on the coding strand, the complement: ATR is on the minus strand). VCF-style: chr3-142536187-T-C. GRCh37 (hg19) VCF-style: chr3-142255029-T-C.
Other names: c.3548A>G, p.Asp1183Gly (NM_001354579.2); short protein forms D1183G, D1247G.
Identifiers: ClinVar variation 3330421 (VCV003330421.1).

ClinVar aggregate classification (germline): Uncertain significance (1 of 4 stars; one submission).

Conditions:
Inborn genetic diseases. Identifiers: MedGen C0950123, MeSH D030342.

gnomAD v4.1: 1 of 1,582,756 alleles (0.000063%); highest among the groups gnomAD compares: Non-Finnish European, 0.000087%; no homozygotes.

Submission:

Ambry Genetics
Classification: Uncertain significance for Inborn genetic diseases. Last evaluated: 2024-04-01. Review status: criteria provided, single submitter. Criteria: Ambry Variant Classification Scheme 2023. Collection method: clinical testing. Allele origin: germline.
Comment: The p.D1247G variant (also known as c.3740A>G), located in coding exon 20 of the ATR gene, results from an A to G substitution at nucleotide position 3740. The aspartic acid at codon 1247 is replaced by glycine, an amino acid with similar properties. This amino acid position is conserved. In addition, the in silico prediction for this alteration is inconclusive. Based on the available evidence, the clinical significance of this alteration remains unclear.